The following is an entry in ClinVar:

NM_000553.6(WRN):c.533A>G (p.Asn178Ser)

Gene: WRN (WRN RecQ like helicase; plus strand). Cytogenetic location: 8p12.
Variant type: single nucleotide variant.
Coding change: c.533A>G on transcript NM_000553.6 (MANE Select); coding-DNA position 533, A replaced by G.
Protein change: p.Asn178Ser; replaces asparagine 178 with serine.
Molecular consequence: missense variant.
Genome position (GRCh38, 1-based): chr8:31,067,061, A>G. VCF-style: chr8-31067061-A-G. GRCh37 (hg19) VCF-style: chr8-30924577-A-G.
Other names: short protein forms N178S.
Identifiers: ClinVar variation 2108061 (VCV002108061.4), dbSNP rs2535887072, ClinGen allele CA370915947.

ClinVar aggregate classification (germline): Uncertain significance (1 of 4 stars; one submission).

Conditions:
Werner syndrome (WRN). Identifiers: Orphanet 902, MedGen C0043119, MONDO:0010196, OMIM 277700.

Submission:

Labcorp Genetics (formerly Invitae), Labcorp
Classification: Uncertain significance for Werner syndrome. Last evaluated: 2024-02-29. Review status: criteria provided, single submitter. Criteria: Invitae Variant Classification Sherloc (09022015). Collection method: clinical testing. Allele origin: germline.
Comment: This sequence change replaces asparagine, which is neutral and polar, with serine, which is neutral and polar, at codon 178 of the WRN protein (p.Asn178Ser). This variant is not present in population databases (gnomAD no frequency). This variant has not been reported in the literature in individuals affected with WRN-related conditions. ClinVar contains an entry for this variant (Variation ID: 2108061). Algorithms developed to predict the effect of missense changes on protein structure and function output the following: SIFT: "Not Available"; PolyPhen-2: "Benign"; Align-GVGD: "Not Available". The serine amino acid residue is found in multiple mammalian species, which suggests that this missense change does not adversely affect protein function. In summary, the available evidence is currently insufficient to determine the role of this variant in disease. Therefore, it has been classified as a Variant of Uncertain Significance.